The following is an entry in ClinVar:

NM_006019.4(TCIRG1):c.1768T>C (p.Tyr590His)

Gene: TCIRG1 (T cell immune regulator 1, ATPase H+ transporting V0 subunit a3; plus strand). Cytogenetic location: 11q13.2.
Variant type: single nucleotide variant.
Coding change: c.1768T>C on transcript NM_006019.4 (MANE Select); coding-DNA position 1768, T replaced by C.
Protein change: p.Tyr590His; replaces tyrosine 590 with histidine.
Molecular consequence: missense variant.
Genome position (GRCh38, 1-based): chr11:68,049,175, T>C. VCF-style: chr11-68049175-T-C. GRCh37 (hg19) VCF-style: chr11-67816642-T-C.
Other names: c.874T>C, p.Tyr292His (NM_001351059.2); c.1120T>C, p.Tyr374His (NM_006053.4); short protein forms Y292H, Y590H, Y374H.
Identifiers: ClinVar variation 1514656 (VCV001514656.3), dbSNP rs1319607584, ClinGen allele CA381586691.

ClinVar aggregate classification (germline): Uncertain significance (1 of 4 stars; one submission).

Allele frequency attached by ClinVar (database versions not stated): gnomAD exomes below 0.00001; gnomAD 0.00001; TOPMed 0.00002.
gnomAD v4.1: 2 of 1,613,926 alleles (0.00012%); highest among the groups gnomAD compares: African/African-American, 0.0027%; no homozygotes.

Submission:

Labcorp Genetics (formerly Invitae), Labcorp
Classification: Uncertain significance. Last evaluated: 2021-12-16. Review status: criteria provided, single submitter. Criteria: Invitae Variant Classification Sherloc (09022015). Collection method: clinical testing. Allele origin: germline.
Comment: This sequence change replaces tyrosine, which is neutral and polar, with histidine, which is basic and polar, at codon 590 of the TCIRG1 protein (p.Tyr590His). This variant is not present in population databases (gnomAD no frequency). This variant has not been reported in the literature in individuals affected with TCIRG1-related conditions. Algorithms developed to predict the effect of missense changes on protein structure and function are either unavailable or do not agree on the potential impact of this missense change (SIFT: "Deleterious"; PolyPhen-2: "Probably Damaging"; Align-GVGD: "Class C15"). In summary, the available evidence is currently insufficient to determine the role of this variant in disease. Therefore, it has been classified as a Variant of Uncertain Significance.